The following is an entry in ClinVar:

NM_001101362.3(KBTBD13):c.391G>C (p.Asp131His)

Gene: KBTBD13 (kelch repeat and BTB domain containing 13; plus strand). Cytogenetic location: 15q22.31.
Variant type: single nucleotide variant.
Coding change: c.391G>C on transcript NM_001101362.3 (MANE Select); coding-DNA position 391, G replaced by C.
Protein change: p.Asp131His; replaces aspartic acid 131 with histidine.
Molecular consequence: missense variant.
Genome position (GRCh38, 1-based): chr15:65,077,206, G>C. VCF-style: chr15-65077206-G-C. GRCh37 (hg19) VCF-style: chr15-65369544-G-C.
Other names: short protein forms D131H.
Identifiers: ClinVar variation 3663854 (VCV003663854.2).

ClinVar aggregate classification (germline): Uncertain significance (1 of 4 stars; one submission).

Conditions:
Nemaline myopathy 6 (NEM6). Also called: Nemaline myopathy 6, autosomal dominant. Identifiers: Orphanet 171439, MedGen C1836472, MONDO:0012237, OMIM 609273.

Submission:

Labcorp Genetics (formerly Invitae), Labcorp
Classification: Uncertain significance for Nemaline myopathy 6. Last evaluated: 2025-03-10. Review status: criteria provided, single submitter. Criteria: Invitae Variant Classification Sherloc (09022015). Collection method: clinical testing. Allele origin: germline.
Comment: This sequence change replaces aspartic acid, which is acidic and polar, with histidine, which is basic and polar, at codon 131 of the KBTBD13 protein (p.Asp131His). This variant is present in population databases (no rsID available, gnomAD 0.06%). This variant has not been reported in the literature in individuals affected with KBTBD13-related conditions. Invitae Evidence Modeling of protein sequence and biophysical properties (such as structural, functional, and spatial information, amino acid conservation, physicochemical variation, residue mobility, and thermodynamic stability) has been performed for this missense variant. However, the output from this modeling did not meet the statistical confidence thresholds required to predict the impact of this variant on KBTBD13 protein function. In summary, the available evidence is currently insufficient to determine the role of this variant in disease. Therefore, it has been classified as a Variant of Uncertain Significance.